The following is an entry in ClinVar:

ClinVar aggregate classification (germline): Conflicting classifications of pathogenicity. Review status: criteria provided, conflicting classifications (1 of 4 stars). 8 submissions from 8 submitters: Uncertain significance (6); Likely benign (1). 1 of the submissions does not count toward it. Last evaluated 2026-01-25.

Conditions:
Hereditary cancer-predisposing syndrome. Also called: Hereditary Cancer Syndrome; Neoplastic Syndromes, Hereditary; Tumor predisposition; Hereditary neoplastic syndrome. Identifiers: Orphanet 140162, MedGen C0027672, MeSH D009386, MONDO:0015356.
Hereditary diffuse gastric adenocarcinoma (HDGC). Also called: DIFFUSE GASTRIC AND LOBULAR BREAST CANCER SYNDROME. Identifiers: Orphanet 26106, MedGen C1708349, MONDO:0007648, OMIM 137215.

Allele frequency attached by ClinVar (database versions not stated): gnomAD exomes below 0.00001 and 0.00001; TOPMed below 0.00001; ExAC 0.00001; gnomAD 0.00001.
gnomAD v4.1: 21 of 1,613,978 alleles (0.0013%); highest among the groups gnomAD compares: Non-Finnish European, 0.0016%; no homozygotes.

Submissions (8):

Labcorp Genetics (formerly Invitae), Labcorp
Classification: Uncertain significance for Hereditary diffuse gastric adenocarcinoma. Last evaluated: 2026-01-25. Review status: criteria provided, single submitter. Criteria: Invitae Variant Classification Sherloc (09022015). Collection method: clinical testing. Allele origin: germline.
Comment: This sequence change replaces threonine, which is neutral and polar, with serine, which is neutral and polar, at codon 364 of the CDH1 protein (p.Thr364Ser). This variant is present in population databases (rs778868539, gnomAD 0.0009%). This missense change has been observed in individual(s) with breast cancer (PMID: 26976419). ClinVar contains an entry for this variant (Variation ID: 232434). An algorithm developed to predict the effect of missense changes on protein structure and function (PolyPhen-2) suggests that this variant is likely to be tolerated. In summary, the available evidence is currently insufficient to determine the role of this variant in disease. Therefore, it has been classified as a Variant of Uncertain Significance.

Women's Health and Genetics/Laboratory Corporation of America, LabCorp
Classification: Uncertain significance. Last evaluated: 2025-04-18. Review status: criteria provided, single submitter. Criteria: LabCorp Variant Classification Summary - May 2015. Collection method: clinical testing. Allele origin: germline.
Comment: Variant summary: CDH1 c.1090A>T (p.Thr364Ser) results in a conservative amino acid change located in the Cadherins domain (IPR002126) of the encoded protein sequence. Five of five in-silico tools predict a benign effect of the variant on protein function. The variant allele was found at a frequency of 4e-06 in 251478 control chromosomes. The available data on variant occurrences in the general population are insufficient to allow any conclusion about variant significance. c.1090A>T has been observed in one individual affected with Breast Cancer, without strong evidence for causality (Tung_2016). These report(s) do not provide unequivocal conclusions about association of the variant with Breast Cancer. To our knowledge, no experimental evidence demonstrating an impact on protein function has been reported. The following publication has been ascertained in the context of this evaluation (PMID: 26976419). ClinVar contains an entry for this variant (Variation ID: 232434). Based on the evidence outlined above, the variant was classified as uncertain significance.

GeneDx
Classification: Uncertain significance. Last evaluated: 2024-07-29. Review status: criteria provided, single submitter. Criteria: GeneDx Variant Classification Process June 2021. Collection method: clinical testing. Allele origin: germline. Affected: yes.
Comment: Not observed at significant frequency in large population cohorts (gnomAD); In silico analysis indicates that this missense variant does not alter protein structure/function; Observed in an individual with breast cancer in published literature (PMID: 26976419); This variant is associated with the following publications: (PMID: 15235021, 22850631, 26976419)

Ambry Genetics
Classification: Likely benign for Hereditary cancer-predisposing syndrome. Last evaluated: 2024-03-06. Review status: criteria provided, single submitter. Criteria: Ambry Variant Classification Scheme 2023. Collection method: clinical testing. Allele origin: germline.

Color Diagnostics, LLC DBA Color Health
Classification: Uncertain significance for Hereditary cancer-predisposing syndrome. Last evaluated: 2024-02-05. Review status: criteria provided, single submitter. Criteria: ACMG Guidelines, 2015. Collection method: clinical testing. Allele origin: germline.
Comment: This missense variant replaces threonine with serine at codon 364 of the CDH1 protein. To our knowledge, functional studies have not been reported for this variant. This variant has been reported in an individual affected with breast cancer (PMID: 26976419). This variant has been identified in 1/251478 chromosomes in the general population by the Genome Aggregation Database (gnomAD). The available evidence is insufficient to determine the role of this variant in disease conclusively. Therefore, this variant is classified as a Variant of Uncertain Significance.

Quest Diagnostics Nichols Institute San Juan Capistrano
Classification: Uncertain significance. Last evaluated: 2023-09-13. Review status: criteria provided, single submitter. Criteria: Quest Diagnostics criteria. Collection method: clinical testing. Allele origin: unknown.
Comment: In the published literature, this variant has been reported in an individual with breast cancer (PMID: 26976419 (2016)). The frequency of this variant in the general population, 0.000004 (1/251478 chromosomes (Genome Aggregation Database)), is uninformative in the assessment of its pathogenicity. Analysis of this variant using bioinformatics tools for the prediction of the effect of amino acid changes on protein structure and function yielded conflicting predictions that this variant is benign or damaging. Based on the available information, we are unable to determine the clinical significance of this variant.

Myriad Genetics, Inc.
Classification: Uncertain significance for Hereditary diffuse gastric adenocarcinoma. Last evaluated: 2023-03-03. Review status: criteria provided, single submitter. Criteria: Myriad Autosomal Dominant, Autosomal Recessive and X-Linked Classification Criteria (2023). Collection method: clinical testing. Allele origin: unknown.
Comment: This variant is classified as a variant of uncertain significance as there is insufficient evidence to determine its impact on protein function and/or cancer risk.

Counsyl
Classification: Uncertain significance for Hereditary diffuse gastric adenocarcinoma. Last evaluated: 2018-05-10. Review status: no assertion criteria provided. Collection method: clinical testing. Allele origin: unknown. Not counted in ClinVar's aggregate classification.

Literature cited by the submitters: PubMed 26976419 (cited by 6 submitters).

NM_004360.5(CDH1):c.1090A>T (p.Thr364Ser)

Gene: CDH1 (cadherin 1; plus strand). Cytogenetic location: 16q22.1.
Variant type: single nucleotide variant.
Coding change: c.1090A>T on transcript NM_004360.5 (MANE Select); coding-DNA position 1090, A replaced by T.
Protein change: p.Thr364Ser; replaces threonine 364 with serine.
Molecular consequence: missense variant. On other transcripts: 5 prime UTR variant (2).
Genome position (GRCh38, 1-based): chr16:68,812,216, A>T. VCF-style: chr16-68812216-A-T. GRCh37 (hg19) VCF-style: chr16-68846119-A-T.
Other names: c.1090A>T, p.Thr364Ser (NM_001317184.2); c.-526A>T (NM_001317185.2); c.-730A>T (NM_001317186.2); c.1090A>T (LRG_301t1); short protein forms T364S.
Identifiers: ClinVar variation 232434 (VCV000232434.22), dbSNP rs778868539, ClinGen allele CA8129995.
Genomic context (GRCh38, chr16:68,812,216, plus strand): 5'-GTGGTTCAAGCTGCTGACCTTCAAGGTGAGGGGTTAAGCACAACAGCAACAGCTGTGATC[A>T]CAGTCACTGACACCAACGATAATCCTCCGATCTTCAATCCCACCACGGTAATTCTATAAC-3'
Protein context (NP_004351.1, residues 354-374): GLSTTATAVI[Thr364Ser]VTDTNDNPPI